The following is an entry in ClinVar:

ClinVar aggregate classification (germline): Uncertain significance (1 of 4 stars; one submission).

Conditions:
Autosomal recessive limb-girdle muscular dystrophy type 2J (LGMDR10). Also called: MUSCULAR DYSTROPHY, LIMB-GIRDLE, AUTOSOMAL RECESSIVE 10; Limb-girdle muscular dystrophy, type 2J. Identifiers: Orphanet 140922, MedGen C1837342, MONDO:0012127, OMIM 608807.
Dilated cardiomyopathy 1G (CMD1G). Identifiers: Orphanet 154, MedGen C1858763, MONDO:0011400, OMIM 604145.

gnomAD v4.1: 4 of 1,101,820 alleles (0.00036%); highest among the groups gnomAD compares: Non-Finnish European, 0.00024%; no homozygotes.

Submission:

Labcorp Genetics (formerly Invitae), Labcorp
Classification: Uncertain significance for Dilated cardiomyopathy 1G; Autosomal recessive limb-girdle muscular dystrophy type 2J. Last evaluated: 2025-10-02. Review status: criteria provided, single submitter. Criteria: Invitae Variant Classification Sherloc (09022015). Collection method: clinical testing. Allele origin: germline.
Comment: This sequence change falls in intron 215 of the TTN gene. It does not directly change the encoded amino acid sequence of the TTN protein. It affects a nucleotide within the consensus splice site. This variant is not present in population databases (gnomAD no frequency). This variant has not been reported in the literature in individuals affected with TTN-related conditions. Variants that disrupt the consensus splice site are a relatively common cause of aberrant splicing (PMID: 17576681, 9536098). Algorithms developed to predict the effect of sequence changes on RNA splicing suggest that this variant may disrupt the consensus splice site. This variant is located in the I band of TTN (PMID: 25589632). Non-truncating variants in this region may be clinically relevant, but have not been definitively shown to cause cardiomyopathy or neuromuscular disease (PMID: 27493940, 32778822). In summary, the available evidence is currently insufficient to determine the role of this variant in disease. Therefore, it has been classified as a Variant of Uncertain Significance.

Literature cited by the submitters: PubMed 17576681; PubMed 9536098; PubMed 25589632; PubMed 27493940; PubMed 32778822.

NM_001267550.2(TTN):c.40222+3A>G

Gene: TTN (titin; minus strand). Cytogenetic location: 2q31.2.
Variant type: single nucleotide variant.
Coding change: c.40222+3A>G on transcript NM_001267550.2 (MANE Select); 3 bases into the intron after coding-DNA position 40222, A replaced by G.
Molecular consequence: intron variant.
Genome position (GRCh38, 1-based): chr2:178,647,061, T>C on the plus strand (A>G on the coding strand, the complement: TTN is on the minus strand). VCF-style: chr2-178647061-T-C. GRCh37 (hg19) VCF-style: chr2-179511788-T-C.
Other names: c.13283-4744A>G (NM_003319.4); c.13859-4744A>G (NM_133437.4); c.13658-4744A>G (NM_133432.3); c.32594-1031A>G (NM_133378.4); c.35375-1031A>G (NM_001256850.1).
Identifiers: ClinVar variation 4794469 (VCV004794469.1).